The following is an entry in ClinVar:

ClinVar aggregate classification (germline): Likely pathogenic (1 of 4 stars; one submission).

Submission:

Mayo Clinic Laboratories, Mayo Clinic
Classification: Likely pathogenic. Last evaluated: 2024-10-15. Review status: criteria provided, single submitter. Criteria: ACMG Guidelines, 2015. Collection method: clinical testing. Allele origin: germline. Observed: 1 variant allele.
Comment: PM2_supporting, PVS1

NM_000037.4(ANK1):c.1126dup (p.His376fs)

Gene: ANK1 (ankyrin 1; minus strand). Cytogenetic location: 8p11.21.
Variant type: Duplication.
Coding change: c.1126dup on transcript NM_000037.4 (MANE Select); coding-DNA position 1126, one base duplicated (C; older notation c.1126dupC).
Protein change: p.His376fs; shifts the reading frame from histidine 376.
Molecular consequence: frameshift variant.
Genome position (GRCh38, 1-based): chr8:41,718,186, G duplicated on the plus strand (C on the coding strand, the reverse complement: ANK1 is on the minus strand). VCF-style (leftmost placement, unchanged base first): chr8-41718185-T-TG. GRCh37 (hg19) VCF-style: chr8-41575703-T-TG.
Other names: p.His376Profs*95; c.1225dup, p.His409fs (NM_001142446.2); c.1126dup, p.His376fs (NM_020475.3, NM_020476.3, NM_020477.3); short protein forms H376fs, H409fs.
Identifiers: ClinVar variation 4541370 (VCV004541370.1).